The following is an entry in ClinVar:

ClinVar aggregate classification (germline): Uncertain significance. Review status: criteria provided, single submitter (1 of 4 stars). 2 submissions from 2 submitters: Uncertain significance (1). 1 of the submissions does not count toward it. Last evaluated 2022-10-25.

Conditions:
Intellectual disability. Also called: intellectual disabilities; Intellectual developmental disorder; Intellectual functioning disability. Identifiers: MedGen C3714756, MeSH D008607, MONDO:0001071, HP:0001249.

Allele frequency attached by ClinVar (database versions not stated): gnomAD exomes 0.00001; TOPMed 0.00001; gnomAD 0.00001; ESP Exome Variant Server 0.00008.
gnomAD v4.1: 24 of 1,561,464 alleles (0.0015%); highest among the groups gnomAD compares: East Asian, 0.018%; no homozygotes.

Submissions (2):

Labcorp Genetics (formerly Invitae), Labcorp
Classification: Uncertain significance. Last evaluated: 2022-10-25. Review status: criteria provided, single submitter. Criteria: Invitae Variant Classification Sherloc (09022015). Collection method: clinical testing. Allele origin: germline.
Comment: This variant has not been reported in the literature in individuals affected with CHD4-related conditions. This sequence change falls in intron 2 of the CHD4 gene. It does not directly change the encoded amino acid sequence of the CHD4 protein. It affects a nucleotide within the consensus splice site. The frequency data for this variant in the population databases is considered unreliable, as metrics indicate poor data quality at this position in the gnomAD database. ClinVar contains an entry for this variant (Variation ID: 975670). Variants that disrupt the consensus splice site are a relatively common cause of aberrant splicing (PMID: 17576681, 9536098). Algorithms developed to predict the effect of sequence changes on RNA splicing suggest that this variant is not likely to affect RNA splicing. In summary, the available evidence is currently insufficient to determine the role of this variant in disease. Therefore, it has been classified as a Variant of Uncertain Significance.

Centre de Biologie Pathologie Génétique, Centre Hospitalier Universitaire de Lille
Classification: Likely benign for Intellectual disability. Last evaluated: 2019-01-01. Review status: no assertion criteria provided. Collection method: clinical testing. Allele origin: inherited. Affected: yes. Not counted in ClinVar's aggregate classification.

Literature cited by the submitters: PubMed 17576681 (cited by Labcorp Genetics (formerly Invitae), Labcorp); PubMed 9536098 (cited by Labcorp Genetics (formerly Invitae), Labcorp).

NM_001273.5(CHD4):c.100+6A>T

Gene: CHD4 (chromodomain helicase DNA binding protein 4; minus strand). Cytogenetic location: 12p13.31.
Variant type: single nucleotide variant.
Coding change: c.100+6A>T on transcript NM_001273.5 (MANE Select); 6 bases into the intron after coding-DNA position 100, A replaced by T.
Molecular consequence: intron variant.
Genome position (GRCh38, 1-based): chr12:6,606,268, T>A on the plus strand (A>T on the coding strand, the complement: CHD4 is on the minus strand). VCF-style: chr12-6606268-T-A. GRCh37 (hg19) VCF-style: chr12-6715434-T-A.
Other names: c.100+6A>T (NM_001363606.2, NM_001297553.2).
Identifiers: ClinVar variation 975670 (VCV000975670.7), dbSNP rs376670062, ClinGen allele CA232403998.